The following is an entry in ClinVar:

ClinVar aggregate classification (germline): Likely benign. Review status: criteria provided, multiple submitters, no conflicts (2 of 4 stars). 6 submissions from 6 submitters: Likely benign (6). Last evaluated 2026-02-02.

Conditions:
NEXMIF-related disorder. Also called: NEXMIF-related condition.

Allele frequency attached by ClinVar (database versions not stated): ExAC 0.00008; gnomAD exomes 0.00008 and 0.00020; gnomAD 0.00010 and 0.00011; 1000 Genomes Project 30x 0.00021; TOPMed 0.00021; 1000 Genomes Project 0.00026; ESP Exome Variant Server 0.00028.

Submissions (6):

Labcorp Genetics (formerly Invitae), Labcorp
Classification: Likely benign. Last evaluated: 2026-02-02. Review status: criteria provided, single submitter. Criteria: Invitae Variant Classification Sherloc (09022015). Collection method: clinical testing. Allele origin: germline.

PreventionGenetics, part of Exact Sciences
Classification: Likely benign for NEXMIF-related condition. Last evaluated: 2025-08-28. Review status: criteria provided, single submitter. Criteria: ACMG Guidelines, 2015. Collection method: clinical testing. Allele origin: germline.
Comment: This variant is classified as likely benign based on ACMG/AMP sequence variant interpretation guidelines (Richards et al. 2015 PMID: 25741868, with internal and published modifications).

Mayo Clinic Laboratories, Mayo Clinic
Classification: Likely benign. Last evaluated: 2025-07-16. Review status: criteria provided, single submitter. Criteria: ACMG Guidelines, 2015. Collection method: clinical testing. Allele origin: germline. Observed: 1 variant allele.
Comment: BS2, BP4_moderate

CeGaT Center for Human Genetics Tuebingen
Classification: Likely benign. Last evaluated: 2022-09-01. Review status: criteria provided, single submitter. Criteria: CeGaT Center For Human Genetics Tuebingen Variant Classification Criteria Version 2. Collection method: clinical testing. Allele origin: germline. Affected: yes. Observed: 1 variant allele.
Comment: NEXMIF: BP4, BS2

GeneDx
Classification: Likely benign. Last evaluated: 2020-10-13. Review status: criteria provided, single submitter. Criteria: GeneDx Variant Classification Process June 2021. Collection method: clinical testing. Allele origin: germline. Affected: yes.

Ambry Genetics
Classification: Likely benign. Last evaluated: 2019-09-18. Review status: criteria provided, single submitter. Criteria: Ambry Variant Classification Scheme 2023. Collection method: clinical testing. Allele origin: germline.

NM_001008537.3(NEXMIF):c.3812T>C (p.Met1271Thr)

Gene: NEXMIF (neurite extension and migration factor; minus strand). Cytogenetic location: Xq13.3.
Variant type: single nucleotide variant.
Coding change: c.3812T>C on transcript NM_001008537.3 (MANE Select); coding-DNA position 3812, T replaced by C.
Protein change: p.Met1271Thr; replaces methionine 1271 with threonine.
Molecular consequence: missense variant.
Genome position (GRCh38, 1-based): chrX:74,740,745, A>G on the plus strand (T>C on the coding strand, the complement: NEXMIF is on the minus strand). VCF-style: chrX-74740745-A-G. GRCh37 (hg19) VCF-style: chrX-73960580-A-G.
Other names: p.Met1271Thr; short protein forms M1271T.
Identifiers: ClinVar variation 474072 (VCV000474072.43), dbSNP rs138236888, ClinGen allele CA10454905.